The following is an entry in ClinVar:

ClinVar aggregate classification (germline): Pathogenic (1 of 4 stars; one submission).

Conditions:
Joubert syndrome 21 (JBTS21). Identifiers: MedGen C3810212, MONDO:0014288, OMIM 615636.

Submission:

Labcorp Genetics (formerly Invitae), Labcorp
Classification: Pathogenic for Joubert syndrome 21. Last evaluated: 2021-06-13. Review status: criteria provided, single submitter. Criteria: Invitae Variant Classification Sherloc (09022015). Collection method: clinical testing. Allele origin: germline.
Comment: This variant is present in population databases (rs752908017, ExAC 0.003%). This variant has not been reported in the literature in individuals with CSPP1-related conditions. ClinVar contains an entry for this variant (Variation ID: 1070338). For these reasons, this variant has been classified as Pathogenic. This sequence change creates a premature translational stop signal (p.Asn510Ilefs*29) in the CSPP1 gene. It is expected to result in an absent or disrupted protein product. Loss-of-function variants in CSPP1 are known to be pathogenic (PMID: 24360807, 24360808).

Literature cited by the submitters: PubMed 24360807; PubMed 24360808.

NM_001382391.1(CSPP1):c.1544_1547del (p.Asn515fs)

Gene: CSPP1 (centrosome and spindle pole associated protein 1; plus strand). Cytogenetic location: 8q13.2.
Variant type: Microsatellite.
Coding change: c.1544_1547del on transcript NM_001382391.1 (MANE Select); coding-DNA positions 1544 to 1547, 4 bases deleted (ACTA; older notation c.1544_1547delACTA).
Protein change: p.Asn515fs; shifts the reading frame from asparagine 515.
Molecular consequence: frameshift variant.
Genome position (GRCh38, 1-based): chr8:67,118,295-67,118,298, ACTA deleted; deleting any 4 consecutive bases within chr8:67,118,291-67,118,298 gives the same sequence; the c. name uses the placement nearest the transcript's 3' end. VCF-style (leftmost placement, unchanged base first): chr8-67118290-TACTA-T. GRCh37 (hg19) VCF-style: chr8-68030525-TACTA-T.
Other names: c.647_650del, p.Asn216fs (NM_001291339.2); c.1463_1466del, p.Asn488fs (NM_001363131.2); c.1502_1505del, p.Asn501fs (NM_001363132.2); c.1421_1424del, p.Asn474fs (NM_001363133.2); c.1610_1613del, p.Asn537fs (NM_001364869.1); c.1430_1433del, p.Asn477fs (NM_001364870.1); c.1525_1528ACTA[1], p.Asn510Ilefs (NM_024790.7); short protein forms N216fs, N474fs, N477fs, N488fs, N501fs, N510fs, N515fs, N537fs.
Identifiers: ClinVar variation 1070338 (VCV001070338.7), dbSNP rs752908017, ClinGen allele CA4770570.
Genomic context (GRCh38, chr8:67,118,290, plus strand): 5'-ATCTTTCTTTTCATACAGGATTGCACCTCTGCCTCCACCTCCCCTACTACCACCTTTGGC[TACTA>T]ACTATCGAACTCCTTATGATGATGCATACTATTTTTATGGGTCCAGGAATACTTTCGATC-3'